The following is an entry in ClinVar:

ClinVar aggregate classification (germline): Uncertain significance (1 of 4 stars; one submission).

Conditions:
Neurofibromatosis, type 1 (NF1). Also called: VON RECKLINGHAUSEN DISEASE; Neurofibromatosis, type I; NEUROFIBROMATOSIS, TYPE I, SOMATIC; Peripheral type neurofibromatosis. Identifiers: Orphanet 636, MedGen C0027831, MONDO:0018975, OMIM 162200. Disease mechanism: loss of function.

Allele frequency attached by ClinVar (database versions not stated): ExAC 0.00002.

Submission:

Clinical Genomics Laboratory, Washington University in St. Louis
Classification: Uncertain significance for Neurofibromatosis, type 1. Last evaluated: 2024-04-08. Review status: criteria provided, single submitter. Criteria: ACMG Guidelines, 2015. Collection method: clinical testing. Allele origin: germline.
Comment: An NF1 c.7508A>G (p.Tyr2503Cys) variant was identified at a near heterozygous allelic fraction of 47.6%, a frequency which may be consistent with germline origin. This variant, to our knowledge, has not been reported in the medical literature. It is absent from the general population (gnomAD v.4.0.0), indicating it is not a common variant. Computational predictors suggest that the variant does not impact NF1 function. Due to limited information, and based on ACMG/AMP guidelines for variant interpretation (Richards S et al., PMID: 25741868), the clinical significance of this variant is uncertain at this time.

NM_001042492.3(NF1):c.7508A>G (p.Tyr2503Cys)

Gene: NF1 (neurofibromin 1; plus strand). Cytogenetic location: 17q11.2.
Variant type: single nucleotide variant.
Coding change: c.7508A>G on transcript NM_001042492.3 (MANE Select); coding-DNA position 7508, A replaced by G.
Protein change: p.Tyr2503Cys; replaces tyrosine 2503 with cysteine.
Molecular consequence: missense variant.
Genome position (GRCh38, 1-based): chr17:31,352,307, A>G. VCF-style: chr17-31352307-A-G. GRCh37 (hg19) VCF-style: chr17-29679325-A-G.
Other names: c.7445A>G, p.Tyr2482Cys (NM_000267.4); short protein forms Y2482C, Y2503C.
Identifiers: ClinVar variation 3237428 (VCV003237428.1), dbSNP rs749006006.